The following is an entry in ClinVar:

NM_006254.4(PRKCD):c.1300dup (p.Asp434fs)

Gene: PRKCD (protein kinase C delta; plus strand). Cytogenetic location: 3p21.1.
Variant type: Duplication.
Coding change: c.1300dup on transcript NM_006254.4 (MANE Select); coding-DNA position 1300, one base duplicated (G; older notation c.1300dupG).
Protein change: p.Asp434fs; shifts the reading frame from aspartic acid 434.
Molecular consequence: frameshift variant.
Genome position (GRCh38, 1-based): chr3:53,186,643, G duplicated; the last of 7 consecutive G bases (chr3:53,186,637-53,186,643); duplicating any one gives the same sequence. VCF-style (leftmost placement, unchanged base first): chr3-53186636-C-CG. GRCh37 (hg19) VCF-style: chr3-53220652-C-CG.
Other names: c.1300dup, p.Asp434fs (NM_001316327.2, NM_001354679.2, NM_001354680.2 and 1 more transcripts); c.1357dup, p.Asp453fs (NM_001354676.2); c.1348dup, p.Asp450fs (NM_001354678.2); short protein forms D450fs, D434fs, D453fs.
Identifiers: ClinVar variation 1458167 (VCV001458167.6), dbSNP rs1559629912, ClinGen allele CA433795728.
Genomic context (GRCh38, chr3:53,186,636, plus strand): 5'-CCCCTGCTCACCACCCTTCCCACCCCAGGACCACCTGTTCTTTGTGATGGAGTTCCTCAA[C>CG]GGGGGGGACCTGATGTACCACATCCAGGACAAAGGCCGCTTTGAACTCTACCGTGCCACG-3'

ClinVar aggregate classification (germline): Pathogenic (1 of 4 stars; one submission).

Conditions:
Autoimmune lymphoproliferative syndrome, type III caused by mutation in PRKCD. Identifiers: Orphanet 3261, Orphanet 664711, MedGen C3809928, MONDO:8000024, OMIM 615559.

Submission:

Labcorp Genetics (formerly Invitae), Labcorp
Classification: Pathogenic for Autoimmune lymphoproliferative syndrome, type III caused by mutation in PRKCD. Last evaluated: 2025-05-24. Review status: criteria provided, single submitter. Criteria: Invitae Variant Classification Sherloc (09022015). Collection method: clinical testing. Allele origin: germline.
Comment: This sequence change creates a premature translational stop signal (p.Asp434Glyfs*13) in the PRKCD gene. It is expected to result in an absent or disrupted protein product. Loss-of-function variants in PRKCD are known to be pathogenic (PMID: 11976687, 23319571, 23430113). The frequency data for this variant in the population databases is considered unreliable, as metrics indicate poor data quality at this position in the gnomAD database. This variant has not been reported in the literature in individuals affected with PRKCD-related conditions. ClinVar contains an entry for this variant (Variation ID: 1458167). For these reasons, this variant has been classified as Pathogenic.

Literature cited by the submitters: PubMed 11976687; PubMed 23319571; PubMed 23430113.